The following is an entry in ClinVar:

ClinVar aggregate classification (germline): Uncertain significance (1 of 4 stars; one submission).

Conditions:
Tuberous sclerosis 1 (TSC1). Identifiers: Orphanet 805, MedGen C1854465, MONDO:0008612, OMIM 191100.

Submission:

Labcorp Genetics (formerly Invitae), Labcorp
Classification: Uncertain significance for Tuberous sclerosis 1. Last evaluated: 2021-10-10. Review status: criteria provided, single submitter. Criteria: Invitae Variant Classification Sherloc (09022015). Collection method: clinical testing. Allele origin: germline.
Comment: This sequence change replaces glutamic acid with valine at codon 925 of the TSC1 protein (p.Glu925Val). The glutamic acid residue is highly conserved and there is a moderate physicochemical difference between glutamic acid and valine. This variant is not present in population databases (ExAC no frequency). This variant has not been reported in the literature in individuals affected with TSC1-related conditions. Algorithms developed to predict the effect of missense changes on protein structure and function are either unavailable or do not agree on the potential impact of this missense change (SIFT: "Deleterious"; PolyPhen-2: "Probably Damaging"; Align-GVGD: "Class C0"). Algorithms developed to predict the effect of sequence changes on RNA splicing suggest that this variant may create or strengthen a splice site. In summary, the available evidence is currently insufficient to determine the role of this variant in disease. Therefore, it has been classified as a Variant of Uncertain Significance.

NM_000368.5(TSC1):c.2774A>T (p.Glu925Val)

Gene: TSC1 (TSC complex subunit 1; minus strand). Cytogenetic location: 9q34.13.
Variant type: single nucleotide variant.
Coding change: c.2774A>T on transcript NM_000368.5 (MANE Select); coding-DNA position 2774, A replaced by T.
Protein change: p.Glu925Val; replaces glutamic acid 925 with valine.
Molecular consequence: missense variant.
Genome position (GRCh38, 1-based): chr9:132,897,462, T>A on the plus strand (A>T on the coding strand, the complement: TSC1 is on the minus strand). VCF-style: chr9-132897462-T-A. GRCh37 (hg19) VCF-style: chr9-135772849-T-A.
Other names: c.2771A>T, p.Glu924Val (NM_001162426.2); c.2621A>T, p.Glu874Val (NM_001162427.2); c.2411A>T, p.Glu804Val (NM_001362177.2); short protein forms E804V, E924V, E925V, E874V.
Identifiers: ClinVar variation 1524226 (VCV001524226.6), dbSNP rs2131631775, ClinGen allele CA375369144.